The following is an entry in ClinVar:

ClinVar aggregate classification (germline): Benign/Likely benign. Review status: criteria provided, multiple submitters, no conflicts (2 of 4 stars). 9 submissions from 9 submitters: Benign (8); Likely benign (1). Last evaluated 2026-02-04.

Conditions:
Prostate cancer, hereditary, 9 (HPC9). Identifiers: Orphanet 1331, MedGen C1970250, MONDO:0012597, OMIM 610997.
Hereditary cancer-predisposing syndrome. Also called: Tumor predisposition; Hereditary Cancer Syndrome; Neoplastic Syndromes, Hereditary; Hereditary neoplastic syndrome. Identifiers: Orphanet 140162, MedGen C0027672, MeSH D009386, MONDO:0015356.

Allele frequency attached by ClinVar (database versions not stated): gnomAD exomes 0.09694 and 0.11673; ESP Exome Variant Server 0.09988; gnomAD 0.11073 and 0.11093; ExAC 0.11145; 1000 Genomes Project 30x 0.12055; 1000 Genomes Project 0.12121; TOPMed 0.12237.
gnomAD v4.1: 159,764 of 1,614,048 alleles (9.9%); highest among the groups gnomAD compares: Middle Eastern, 25%; 8,891 homozygotes.

Submissions (9):

Labcorp Genetics (formerly Invitae), Labcorp
Classification: Benign. Last evaluated: 2026-02-04. Review status: criteria provided, single submitter. Criteria: Invitae Variant Classification Sherloc (09022015). Collection method: clinical testing. Allele origin: germline.

Blueprint Genetics
Classification: Likely benign. Last evaluated: 2024-11-27. Review status: criteria provided, single submitter. Criteria: ACMG Guidelines, 2015. Collection method: clinical testing. Allele origin: germline.

Myriad Genetics, Inc.
Classification: Benign for Prostate cancer, hereditary, 9. Last evaluated: 2024-10-30. Review status: criteria provided, single submitter. Criteria: Myriad Autosomal Dominant, Autosomal Recessive and X-Linked Classification Criteria (2023). Collection method: clinical testing. Allele origin: unknown.
Comment: This variant is considered benign. This variant is a silent/synonymous amino acid change and it is not expected to impact splicing.

KCCC/NGS Laboratory, Kuwait Cancer Control Center
Classification: Benign for Prostate cancer, hereditary, 9. Last evaluated: 2023-07-07. Review status: criteria provided, single submitter. Criteria: ACMG Guidelines, 2015. Collection method: clinical testing. Allele origin: germline. Affected: yes.

Mayo Clinic Laboratories, Mayo Clinic
Classification: Benign. Last evaluated: 2022-04-08. Review status: criteria provided, single submitter. Criteria: ACMG Guidelines, 2015. Collection method: clinical testing. Allele origin: germline. Observed: 81 variant alleles.

Women's Health and Genetics/Laboratory Corporation of America, LabCorp
Classification: Benign. Last evaluated: 2021-09-10. Review status: criteria provided, single submitter. Criteria: LabCorp Variant Classification Summary - May 2015. Collection method: clinical testing. Allele origin: germline.

Ambry Genetics
Classification: Benign for Hereditary cancer-predisposing syndrome. Last evaluated: 2016-08-11. Review status: criteria provided, single submitter. Criteria: Ambry Variant Classification Scheme 2023. Collection method: clinical testing. Allele origin: germline.

GeneDx
Classification: Benign. Last evaluated: 2015-03-03. Review status: criteria provided, single submitter. Criteria: GeneDx Variant Classification Process June 2021. Collection method: clinical testing. Allele origin: germline. Affected: yes.

Breakthrough Genomics
Classification: Benign. Review status: criteria provided, single submitter. Criteria: ACMG Guidelines, 2015. Collection method: not provided. Allele origin: germline. Inheritance: Unknown mechanism. Affected: yes.

NM_006361.6(HOXB13):c.513T>C (p.Ser171=)

Gene: HOXB13 (homeobox B13; minus strand). Cytogenetic location: 17q21.32.
Variant type: single nucleotide variant.
Coding change: c.513T>C on transcript NM_006361.6 (MANE Select); coding-DNA position 513, T replaced by C.
Protein change: p.Ser171=; no amino-acid change (serine 171 retained).
Molecular consequence: synonymous variant.
Genome position (GRCh38, 1-based): chr17:48,728,081, A>G on the plus strand (T>C on the coding strand, the complement: HOXB13 is on the minus strand). VCF-style: chr17-48728081-A-G. GRCh37 (hg19) VCF-style: chr17-46805443-A-G.
Other names: p.Ser171=.
Identifiers: ClinVar variation 480871 (VCV000480871.22), dbSNP rs9900627, ClinGen allele CA8633975.